The following is an entry in ClinVar:

NM_015450.3(POT1):c.1734C>A (p.Asp578Glu)

Gene: POT1 (protection of telomeres 1; minus strand). Cytogenetic location: 7q31.33.
Variant type: single nucleotide variant.
Coding change: c.1734C>A on transcript NM_015450.3 (MANE Select); coding-DNA position 1734, C replaced by A.
Protein change: p.Asp578Glu; replaces aspartic acid 578 with glutamic acid.
Molecular consequence: missense variant. On other transcripts: non-coding transcript variant (3).
Genome position (GRCh38, 1-based): chr7:124,825,310, G>T on the plus strand (C>A on the coding strand, the complement: POT1 is on the minus strand). VCF-style: chr7-124825310-G-T. GRCh37 (hg19) VCF-style: chr7-124465364-G-T.
Other names: c.1734C>A (NM_015450.2); c.1341C>A, p.Asp447Glu (NM_001042594.2); short protein forms D578E, D447E.
Identifiers: ClinVar variation 2798439 (VCV002798439.4), dbSNP rs1584746419, ClinGen allele CA369062366.
Genomic context (GRCh38, chr7:124,825,310, plus strand): 5'-ACCAATTTTTATTCCTGGAGGACAAAACATATCCATGATCATATCCACACTTTTCTGAAG[G>T]TCATCATCCATCAGAACTTCTGATGCTGGAATCTGGAAGAATTTGTCCTTAAAAATGTTT-3'
Protein context (NP_056265.2, residues 568-588): IPASEVLMDD[Asp578Glu]LQKSVDMIMD

ClinVar aggregate classification (germline): Uncertain significance. Review status: criteria provided, multiple submitters, no conflicts (2 of 4 stars). 2 submissions from 2 submitters: Uncertain significance (2). Last evaluated 2024-11-12.

Conditions:
Tumor predisposition syndrome 3 (TPDS3). Also called: Melanoma, cutaneous malignant, susceptibility to, 10; LONG TELOMERE SYNDROME, POT1-RELATED; POT1 Tumor Predisposition; Glioma susceptibility 9. Identifiers: Orphanet 618, MedGen C4014476, MONDO:0014368, OMIM 615848.
Hereditary cancer-predisposing syndrome. Also called: Neoplastic Syndromes, Hereditary; Hereditary neoplastic syndrome; Hereditary Cancer Syndrome; Tumor predisposition. Identifiers: Orphanet 140162, MedGen C0027672, MeSH D009386, MONDO:0015356.

gnomAD v4.1: 11 of 1,610,442 alleles (0.00068%); highest among the groups gnomAD compares: Non-Finnish European, 0.00093%; no homozygotes.

Submissions (2):

Ambry Genetics
Classification: Uncertain significance for Hereditary cancer-predisposing syndrome. Last evaluated: 2024-11-12. Review status: criteria provided, single submitter. Criteria: Ambry Variant Classification Scheme 2023. Collection method: clinical testing. Allele origin: germline.
Comment: The p.D578E variant (also known as c.1734C>A), located in coding exon 14 of the POT1 gene, results from a C to A substitution at nucleotide position 1734. The aspartic acid at codon 578 is replaced by glutamic acid, an amino acid with highly similar properties. This amino acid position is conserved. In addition, this alteration is predicted to be tolerated by in silico analysis. Based on the available evidence, the clinical significance of this variant remains unclear.

Labcorp Genetics (formerly Invitae), Labcorp
Classification: Uncertain significance for Tumor predisposition syndrome 3. Last evaluated: 2024-06-13. Review status: criteria provided, single submitter. Criteria: Invitae Variant Classification Sherloc (09022015). Collection method: clinical testing. Allele origin: germline.
Comment: This sequence change replaces aspartic acid, which is acidic and polar, with glutamic acid, which is acidic and polar, at codon 578 of the POT1 protein (p.Asp578Glu). This variant is not present in population databases (gnomAD no frequency). This variant has not been reported in the literature in individuals affected with POT1-related conditions. Advanced modeling of protein sequence and biophysical properties (such as structural, functional, and spatial information, amino acid conservation, physicochemical variation, residue mobility, and thermodynamic stability) performed at Invitae indicates that this missense variant is not expected to disrupt POT1 protein function with a negative predictive value of 80%. In summary, the available evidence is currently insufficient to determine the role of this variant in disease. Therefore, it has been classified as a Variant of Uncertain Significance.